The following is an entry in ClinVar:

ClinVar aggregate classification (germline): Pathogenic (1 of 4 stars; one submission).

Conditions:
AR-related disorder. Also called: AR-related condition.

Submission:

PreventionGenetics, part of Exact Sciences
Classification: Pathogenic for AR-related condition. Last evaluated: 2025-07-10. Review status: criteria provided, single submitter. Criteria: ACMG Guidelines, 2015. Collection method: clinical testing. Allele origin: germline.
Comment: The AR c.286delT variant is predicted to result in a frameshift and premature protein termination (p.Ser96Leufs*79). To our knowledge, this variant has not been reported in the literature or in a large population database (gnomAD), indicating this variant is rare. Frameshift variants in AR are expected to be pathogenic. This variant is interpreted as pathogenic.

NM_000044.6(AR):c.286del (p.Ser96fs)

Gene: AR (androgen receptor; plus strand). Cytogenetic location: Xq12.
Variant type: Deletion.
Coding change: c.286del on transcript NM_000044.6 (MANE Select); coding-DNA position 286, one base deleted (T; older notation c.286delT).
Protein change: p.Ser96fs; shifts the reading frame from serine 96.
Molecular consequence: frameshift variant. On other transcripts: 5 prime UTR variant (1).
Genome position (GRCh38, 1-based): chrX:67,545,432, T deleted; the last of 2 consecutive T bases (chrX:67,545,431-67,545,432); deleting either gives the same sequence. VCF-style (leftmost placement, unchanged base first): chrX-67545430-GT-G. GRCh37 (hg19) VCF-style: chrX-66765272-GT-G.
Other names: c.-1498del (NM_001011645.3); c.286del, p.Ser96fs (NM_001348061.1, NM_001348063.1, NM_001348064.1); short protein forms S96fs.
Identifiers: ClinVar variation 5001022 (VCV005001022.1).